The following is an entry in ClinVar:

NM_015021.3(ZNF292):c.5193G>A (p.Met1731Ile)

Gene: ZNF292 (zinc finger protein 292; plus strand). Cytogenetic location: 6q14.3.
Variant type: single nucleotide variant.
Coding change: c.5193G>A on transcript NM_015021.3 (MANE Select); coding-DNA position 5193, G replaced by A.
Protein change: p.Met1731Ile; replaces methionine 1731 with isoleucine.
Molecular consequence: missense variant.
Genome position (GRCh38, 1-based): chr6:87,258,822, G>A. VCF-style: chr6-87258822-G-A. GRCh37 (hg19) VCF-style: chr6-87968540-G-A.
Other names: c.4773G>A, p.Met1591Ile (NM_001351444.2); short protein forms M1591I, M1731I.
Identifiers: ClinVar variation 3901388 (VCV003901388.1).

ClinVar aggregate classification (germline): Uncertain significance (1 of 4 stars; one submission).

Submission:

GeneDx
Classification: Uncertain significance. Last evaluated: 2024-12-04. Review status: criteria provided, single submitter. Criteria: GeneDx Variant Classification Process June 2021. Collection method: clinical testing. Allele origin: germline. Affected: yes.
Comment: Not observed at significant frequency in large population cohorts (gnomAD); In silico analysis indicates that this missense variant does not alter protein structure/function; Has not been previously published as pathogenic or benign to our knowledge